The following is an entry in ClinVar:

NM_000553.6(WRN):c.3900C>A (p.Pro1300=)

Gene: WRN (WRN RecQ like helicase; plus strand). Cytogenetic location: 8p12.
Variant type: single nucleotide variant.
Coding change: c.3900C>A on transcript NM_000553.6 (MANE Select); coding-DNA position 3900, C replaced by A.
Protein change: p.Pro1300=; no amino-acid change (proline 1300 retained).
Molecular consequence: synonymous variant.
Genome position (GRCh38, 1-based): chr8:31,157,448, C>A. VCF-style: chr8-31157448-C-A. GRCh37 (hg19) VCF-style: chr8-31014964-C-A.
Identifiers: ClinVar variation 412688 (VCV000412688.47), dbSNP rs138886038, ClinGen allele CA4705204.

ClinVar aggregate classification (germline): Conflicting classifications of pathogenicity. Review status: criteria provided, conflicting classifications (1 of 4 stars). 8 submissions from 8 submitters: Uncertain significance (1); Benign (2); Likely benign (3). 2 of the submissions do not count toward it. Last evaluated 2026-07-01.

Conditions:
Werner syndrome (WRN). Identifiers: Orphanet 902, MedGen C0043119, MONDO:0010196, OMIM 277700.

Allele frequency attached by ClinVar (database versions not stated): ESP Exome Variant Server 0.00069; gnomAD 0.00075 and 0.00089; TOPMed 0.00099.
gnomAD v4.1: 1,087 of 1,613,952 alleles (0.067%); highest among the groups gnomAD compares: Admixed American, 0.12%; 3 homozygotes.

Submissions (8):

CeGaT Center for Human Genetics Tuebingen
Classification: Likely benign. Last evaluated: 2026-07-01. Review status: criteria provided, single submitter. Criteria: CeGaT Center For Human Genetics Tuebingen Variant Classification Criteria Version 2. Collection method: clinical testing. Allele origin: germline. Affected: yes. Observed: 9 variant alleles.
Comment: WRN: BP4, BP7

Labcorp Genetics (formerly Invitae), Labcorp
Classification: Benign for Werner syndrome. Last evaluated: 2026-01-12. Review status: criteria provided, single submitter. Criteria: Invitae Variant Classification Sherloc (09022015). Collection method: clinical testing. Allele origin: germline.

KCCC/NGS Laboratory, Kuwait Cancer Control Center
Classification: Benign for Werner syndrome. Last evaluated: 2025-02-01. Review status: criteria provided, single submitter. Criteria: ACMG Guidelines, 2015. Collection method: clinical testing. Allele origin: germline. Affected: no.

Blueprint Genetics
Classification: Likely benign. Last evaluated: 2024-11-19. Review status: criteria provided, single submitter. Criteria: ACMG Guidelines, 2015. Collection method: clinical testing. Allele origin: germline.

Illumina Laboratory Services, Illumina
Classification: Uncertain significance for Werner syndrome. Last evaluated: 2018-01-13. Review status: criteria provided, single submitter. Criteria: ICSL Variant Classification Criteria 13 December 2019. Collection method: clinical testing. Allele origin: germline.

Genetic Services Laboratory, University of Chicago
Classification: Likely benign. Last evaluated: 2016-02-25. Review status: criteria provided, single submitter. Criteria: ACMG Guidelines, 2015. Collection method: clinical testing. Allele origin: germline. Affected: no.

Clinical Genetics DNA and cytogenetics Diagnostics Lab, Erasmus MC, Erasmus Medical Center
Classification: Likely benign. Review status: no assertion criteria provided. Collection method: clinical testing. Allele origin: germline. Affected: yes. Study: VKGL Data-share Consensus. Not counted in ClinVar's aggregate classification.

Genome Diagnostics Laboratory, Amsterdam University Medical Center
Classification: Likely benign. Review status: no assertion criteria provided. Collection method: clinical testing. Allele origin: germline. Affected: yes. Study: VKGL Data-share Consensus. Not counted in ClinVar's aggregate classification.